The following is an entry in ClinVar:

NM_000218.3(KCNQ1):c.1763T>C (p.Ile588Thr)

Gene: KCNQ1 (potassium voltage-gated channel subfamily Q member 1; plus strand). Cytogenetic location: 11p15.5.
Variant type: single nucleotide variant.
Coding change: c.1763T>C on transcript NM_000218.3 (MANE Select); coding-DNA position 1763, T replaced by C.
Protein change: p.Ile588Thr; replaces isoleucine 588 with threonine.
Molecular consequence: missense variant.
Genome position (GRCh38, 1-based): chr11:2,778,006, T>C. VCF-style: chr11-2778006-T-C. GRCh37 (hg19) VCF-style: chr11-2799236-T-C.
Other names: p.I588T:ATC>ACC; c.1667T>C, p.Ile556Thr (NM_001406836.1); c.1493T>C, p.Ile498Thr (NM_001406837.1); c.1223T>C, p.Ile408Thr (NM_001406838.1); c.275T>C, p.Ile92Thr (NM_001406839.1); c.1382T>C, p.Ile461Thr (NM_181798.2); short protein forms I461T, I588T, I92T, I498T, I556T, I408T.
Identifiers: ClinVar variation 200908 (VCV000200908.7), dbSNP rs794728576, ClinGen allele CA006341.

ClinVar aggregate classification (germline): Likely pathogenic. Review status: criteria provided, multiple submitters, no conflicts (2 of 4 stars). 2 submissions from 2 submitters: Likely pathogenic (2). Last evaluated 2023-09-17.

Conditions:
Long QT syndrome (LQTS). Identifiers: MedGen C0023976, MeSH D008133, MONDO:0002442. Disease mechanism: loss of function. Inheritance: Various modes of inheritance.

Submissions (2):

Labcorp Genetics (formerly Invitae), Labcorp
Classification: Likely pathogenic for Long QT syndrome. Last evaluated: 2023-09-17. Review status: criteria provided, single submitter. Criteria: Invitae Variant Classification Sherloc (09022015). Collection method: clinical testing. Allele origin: germline.
Comment: This missense change has been observed in individuals with clinical features of long QT Syndrome (PMID: 27251404; Invitae). ClinVar contains an entry for this variant (Variation ID: 200908). Advanced modeling of protein sequence and biophysical properties (such as structural, functional, and spatial information, amino acid conservation, physicochemical variation, residue mobility, and thermodynamic stability) performed at Invitae indicates that this missense variant is expected to disrupt KCNQ1 protein function. In summary, the currently available evidence indicates that the variant is pathogenic, but additional data are needed to prove that conclusively. Therefore, this variant has been classified as Likely Pathogenic. This variant is not present in population databases (gnomAD no frequency). This sequence change replaces isoleucine, which is neutral and non-polar, with threonine, which is neutral and polar, at codon 588 of the KCNQ1 protein (p.Ile588Thr).

GeneDx
Classification: Likely pathogenic. Last evaluated: 2011-08-25. Review status: criteria provided, single submitter. Criteria: GeneDx Variant Classification (06012015). Collection method: clinical testing. Allele origin: germline. Affected: yes.
Comment: This missense change is denoted Ile588Thr (aka I588T) at the protein level and c.1763 T>C at the cDNA level. The Ile588Thr variant in the KCNQ1 gene has not been reported previously as a disease-causing mutation or as a benign polymorphism, to our knowledge. Ile588Thr results in a non-conservative amino acid substitution of a non-polar Isoleucine with a polar Threonine at a residue that is highly conserved throughout evolution. In silico analysis predicts this substitution is damaging to the protein structure/function (Adzhubei IA et al., 2010, Schwarz JM et al., 2011). Additionally, mutations in surrounding codons (Asn586Asp, Thr587Met, Gly589Asp, Ala590Thr) have been reported in association with LQTS, further supporting the functional importance of this region of the protein. Moreover, the Ile588Thr variant was not observed in up to 600 control alleles from individuals of Caucasian and African American ancestry tested at GeneDx, indicating it is not a common benign variant in these populations. Therefore, with the clinical and molecular information available at this time, we cannot unequivocally conclude the clinical significance of the Ile588Thr variant, though evidence suggest it may be likely disease-causing. The variant is found in LQT panel(s).

Literature cited by the submitters: PubMed 27251404 (cited by Labcorp Genetics (formerly Invitae), Labcorp).